The following is an entry in ClinVar:

ClinVar aggregate classification (germline): Uncertain significance (1 of 4 stars; one submission).

Conditions:
Short-rib thoracic dysplasia 8 with or without polydactyly (SRTD8). Also called: SHORT-RIB THORACIC DYSPLASIA 8 WITH POLYDACTYLY. Identifiers: Orphanet 93271, MedGen C3809691, MONDO:0014214, OMIM 615503.

Allele frequency attached by ClinVar (database versions not stated): gnomAD 0.00001.
gnomAD v4.1: 2 of 1,612,072 alleles (0.00012%); highest among the groups gnomAD compares: Admixed American, 0.0017%; no homozygotes.

Submission:

Labcorp Genetics (formerly Invitae), Labcorp
Classification: Uncertain significance for Short-rib thoracic dysplasia 8 with or without polydactyly. Last evaluated: 2024-04-29. Review status: criteria provided, single submitter. Criteria: Invitae Variant Classification Sherloc (09022015). Collection method: clinical testing. Allele origin: germline.
Comment: This sequence change replaces serine, which is neutral and polar, with phenylalanine, which is neutral and non-polar, at codon 941 of the WDR60 protein (p.Ser941Phe). This variant is not present in population databases (gnomAD no frequency). This variant has not been reported in the literature in individuals affected with WDR60-related conditions. ClinVar contains an entry for this variant (Variation ID: 1680725). An algorithm developed to predict the effect of missense changes on protein structure and function (PolyPhen-2) suggests that this variant is likely to be tolerated. In summary, the available evidence is currently insufficient to determine the role of this variant in disease. Therefore, it has been classified as a Variant of Uncertain Significance.

NM_018051.5(DYNC2I1):c.2822C>T (p.Ser941Phe)

Gene: DYNC2I1 (dynein 2 intermediate chain 1; plus strand). Cytogenetic location: 7q36.3.
Variant type: single nucleotide variant.
Coding change: c.2822C>T on transcript NM_018051.5 (MANE Select); coding-DNA position 2822, C replaced by T.
Protein change: p.Ser941Phe; replaces serine 941 with phenylalanine.
Molecular consequence: missense variant.
Genome position (GRCh38, 1-based): chr7:158,941,968, C>T. VCF-style: chr7-158941968-C-T. GRCh37 (hg19) VCF-style: chr7-158734659-C-T.
Other names: c.2684C>T, p.Ser895Phe (NM_001350914.2); c.2249C>T, p.Ser750Phe (NM_001350915.2); c.1361C>T, p.Ser454Phe (NM_001350916.2); c.1574C>T, p.Ser525Phe (NM_001350917.2, NM_001350918.2); short protein forms S454F, S525F, S750F, S895F, S941F.
Identifiers: ClinVar variation 1680725 (VCV001680725.8), dbSNP rs1585253516, ClinGen allele CA370190009.
Genomic context (GRCh38, chr7:158,941,968, plus strand): 5'-TTTCTTCCTGGTCATAGGCCGGCTGTTCGGACGGAAGCATCAGGCTGCACCAGCTGAGCT[C>T]CGCGTTTCCGCTCCTGCAGTGGGACAGCAGCACGGACAGCCATGCGGTCACCGGCCTGCA-3'
Protein context (NP_060521.4, residues 931-951): DGSIRLHQLS[Ser941Phe]AFPLLQWDSS